The following is an entry in ClinVar:

ClinVar aggregate classification (germline): Likely benign. Review status: criteria provided, multiple submitters, no conflicts (2 of 4 stars). 2 submissions from 2 submitters: Likely benign (2). Last evaluated 2025-11-10.

Conditions:
Lynch syndrome 5 (LYNCH5). Also called: Hereditary non-polyposis colorectal cancer, type 5; Colorectal cancer, hereditary nonpolyposis, type 5. Identifiers: Orphanet 144, MedGen C1833477, MONDO:0013710, OMIM 614350. Disease mechanism: loss of function.
Hereditary nonpolyposis colorectal neoplasms. Identifiers: MedGen C0009405, MeSH D003123.

Allele frequency attached by ClinVar (database versions not stated): TOPMed 0.00001.

Submissions (2):

Labcorp Genetics (formerly Invitae), Labcorp
Classification: Likely benign for Hereditary nonpolyposis colorectal neoplasms. Last evaluated: 2025-11-10. Review status: criteria provided, single submitter. Criteria: Invitae Variant Classification Sherloc (09022015). Collection method: clinical testing. Allele origin: germline.

Myriad Genetics, Inc.
Classification: Likely benign for Lynch syndrome 5. Last evaluated: 2025-01-03. Review status: criteria provided, single submitter. Criteria: Myriad Autosomal Dominant, Autosomal Recessive and X-Linked Classification Criteria (2023). Collection method: clinical testing. Allele origin: unknown.
Comment: This variant is considered likely benign. This variant is intronic and is not expected to impact mRNA splicing.

NM_000179.3(MSH6):c.3173-15C>T

Gene: MSH6 (mutS homolog 6; plus strand). Cytogenetic location: 2p16.3.
Variant type: single nucleotide variant.
Coding change: c.3173-15C>T on transcript NM_000179.3 (MANE Select); 15 bases into the intron before coding-DNA position 3173, C replaced by T.
Molecular consequence: intron variant.
Genome position (GRCh38, 1-based): chr2:47,803,405, C>T. VCF-style: chr2-47803405-C-T. GRCh37 (hg19) VCF-style: chr2-48030544-C-T.
Other names: c.2267-15C>T (NM_001281493.2, NM_001281494.2); c.2783-15C>T (NM_001281492.2).
Identifiers: ClinVar variation 1561420 (VCV001561420.9), dbSNP rs1669727984, ClinGen allele CA2496051752.